The following is an entry in ClinVar:

ClinVar aggregate classification (germline): Uncertain significance. Review status: criteria provided, multiple submitters, no conflicts (2 of 4 stars). 3 submissions from 3 submitters: Uncertain significance (2). 1 of the submissions does not count toward it. Last evaluated 2022-07-06.

Conditions:
LRP2-related disorder. Also called: LRP2-related condition.
Donnai-Barrow syndrome. Also called: DBS/FOAR SYNDROME; FACIOOCULOACOUSTICORENAL SYNDROME. Identifiers: Orphanet 2143, MedGen C1857277, MONDO:0009104, OMIM 222448.

Allele frequency attached by ClinVar (database versions not stated): TOPMed 0.00001; gnomAD 0.00003; ExAC 0.00005; gnomAD exomes 0.00006; ESP Exome Variant Server 0.00015.
gnomAD v4.1: 147 of 1,613,948 alleles (0.0091%); highest among the groups gnomAD compares: Non-Finnish European, 0.011%; no homozygotes.

Submissions (3):

Labcorp Genetics (formerly Invitae), Labcorp
Classification: Uncertain significance. Last evaluated: 2022-07-06. Review status: criteria provided, single submitter. Criteria: Invitae Variant Classification Sherloc (09022015). Collection method: clinical testing. Allele origin: germline.
Comment: This sequence change replaces arginine, which is basic and polar, with histidine, which is basic and polar, at codon 1660 of the LRP2 protein (p.Arg1660His). This variant is present in population databases (rs373017594, gnomAD 0.01%). This variant has not been reported in the literature in individuals affected with LRP2-related conditions. ClinVar contains an entry for this variant (Variation ID: 1359831). Algorithms developed to predict the effect of missense changes on protein structure and function are either unavailable or do not agree on the potential impact of this missense change (SIFT: "Deleterious"; PolyPhen-2: "Benign"; Align-GVGD: "Class C0"). In summary, the available evidence is currently insufficient to determine the role of this variant in disease. Therefore, it has been classified as a Variant of Uncertain Significance.

Fulgent Genetics
Classification: Uncertain significance for Donnai-Barrow syndrome. Last evaluated: 2022-05-28. Review status: criteria provided, single submitter. Criteria: ACMG Guidelines, 2015. Collection method: clinical testing. Allele origin: unknown.

PreventionGenetics, part of Exact Sciences
Classification: Uncertain significance for LRP2-related condition. Last evaluated: 2024-03-23. Review status: no assertion criteria provided. Collection method: clinical testing. Allele origin: germline. Not counted in ClinVar's aggregate classification.
Comment: The LRP2 c.4979G>A variant is predicted to result in the amino acid substitution p.Arg1660His. To our knowledge, this variant has not been reported in the literature. This variant is reported in 0.0085% of alleles in individuals of European (Non-Finnish) descent in gnomAD. At this time, the clinical significance of this variant is uncertain due to the absence of conclusive functional and genetic evidence.

NM_004525.3(LRP2):c.4979G>A (p.Arg1660His)

Gene: LRP2 (LDL receptor related protein 2; minus strand). Cytogenetic location: 2q31.1.
Variant type: single nucleotide variant.
Coding change: c.4979G>A on transcript NM_004525.3 (MANE Select); coding-DNA position 4979, G replaced by A.
Protein change: p.Arg1660His; replaces arginine 1660 with histidine.
Molecular consequence: missense variant.
Genome position (GRCh38, 1-based): chr2:169,233,530, C>T on the plus strand (G>A on the coding strand, the complement: LRP2 is on the minus strand). VCF-style: chr2-169233530-C-T. GRCh37 (hg19) VCF-style: chr2-170090040-C-T.
Other names: c.4979G>A (NM_004525.2); short protein forms R1660H.
Identifiers: ClinVar variation 1359831 (VCV001359831.7), dbSNP rs373017594, ClinGen allele CA1954656.